The following is an entry in ClinVar:

NM_000535.7(PMS2):c.1196dup (p.Gln400fs)

Gene: PMS2 (PMS1 homolog 2, mismatch repair system component; minus strand). Cytogenetic location: 7p22.1.
Variant type: Duplication.
Coding change: c.1196dup on transcript NM_000535.7 (MANE Select); coding-DNA position 1196, one base duplicated (A; older notation c.1196dupA).
Protein change: p.Gln400fs; shifts the reading frame from glutamine 400.
Molecular consequence: frameshift variant. On other transcripts: non-coding transcript variant (1).
Genome position (GRCh38, 1-based): chr7:5,987,569, T duplicated on the plus strand (A on the coding strand, the reverse complement: PMS2 is on the minus strand); the first of 4 consecutive T bases (chr7:5,987,569-5,987,572); duplicating any one gives the same sequence. VCF-style (leftmost placement, unchanged base first): chr7-5987568-C-CT. GRCh37 (hg19) VCF-style: chr7-6027199-C-CT.
Other names: c.791dup, p.Gln265fs (NM_001322003.2, NM_001322004.2, NM_001322005.2 and 1 more transcripts); c.1040dup, p.Gln348fs (NM_001322006.2); c.878dup, p.Gln294fs (NM_001322007.2, NM_001322008.2); c.635dup, p.Gln213fs (NM_001322010.2); c.263dup, p.Gln89fs (NM_001322011.2, NM_001322012.2); c.623dup, p.Gln209fs (NM_001322013.2); c.1196dup, p.Gln400fs (NM_001322014.2); c.887dup, p.Gln297fs (NM_001322015.2); and 1 more; short protein forms Q209fs, Q400fs, Q213fs, Q294fs, Q265fs, Q297fs, Q348fs, Q89fs.
Identifiers: ClinVar variation 484257 (VCV000484257.19), dbSNP rs1554298056, ClinGen allele CA658655982.
Genomic context (GRCh38, chr7:5,987,568, plus strand): 5'-TCTGGAAATGGACACGTCTTTTTTTTCTTCTCCAGTCCTTAATGAAGGGGATTGATCCTG[C>CT]TTTTCTACCATGGGCTTTTCCAAATCCGCTGCATGCATTTTTATTAAGTTACCTAAGCAA-3'

ClinVar aggregate classification (germline): Pathogenic. Review status: criteria provided, multiple submitters, no conflicts (2 of 4 stars). 7 submissions from 7 submitters: Pathogenic (7). Last evaluated 2023-09-20.

Conditions:
Hereditary nonpolyposis colorectal neoplasms. Identifiers: MedGen C0009405, MeSH D003123.
Lynch syndrome. Identifiers: Orphanet 144, MedGen C4552100, MONDO:0005835. Disease mechanism: loss of function.
Hereditary cancer-predisposing syndrome. Also called: Neoplastic Syndromes, Hereditary; Tumor predisposition; Hereditary Cancer Syndrome; Hereditary neoplastic syndrome. Identifiers: Orphanet 140162, MedGen C0027672, MeSH D009386, MONDO:0015356.
Lynch syndrome 4 (LYNCH4). Also called: Colorectal cancer, hereditary nonpolyposis, type 4; Hereditary non-polyposis colorectal cancer, type 4. Identifiers: Orphanet 144, MedGen C1838333, MONDO:0013699, OMIM 614337. Disease mechanism: loss of function.
Mismatch repair cancer syndrome 1 (MMRCS1). Also called: BRAIN TUMOR-POLYPOSIS SYNDROME 1; BTP1 SYNDROME; CHILDHOOD CANCER SYNDROME; MISMATCH REPAIR DEFICIENCY; MMR DEFICIENCY. Identifiers: Orphanet 252202, MedGen C5399763, MONDO:0010159, OMIM 276300. Disease mechanism: loss of function.

Submissions (7):

Myriad Genetics, Inc.
Classification: Pathogenic for Lynch syndrome 4. Last evaluated: 2023-09-20. Review status: criteria provided, single submitter. Criteria: Myriad Autosomal Dominant, Autosomal Recessive and X-Linked Classification Criteria (2023). Collection method: clinical testing. Allele origin: unknown.
Comment: This variant is considered pathogenic. This variant creates a frameshift predicted to result in premature protein truncation.

Labcorp Genetics (formerly Invitae), Labcorp
Classification: Pathogenic for Hereditary nonpolyposis colorectal neoplasms. Last evaluated: 2023-08-10. Review status: criteria provided, single submitter. Criteria: Invitae Variant Classification Sherloc (09022015). Collection method: clinical testing. Allele origin: germline.
Comment: For these reasons, this variant has been classified as Pathogenic. ClinVar contains an entry for this variant (Variation ID: 484257). This variant has not been reported in the literature in individuals affected with PMS2-related conditions. This variant is not present in population databases (gnomAD no frequency). This sequence change creates a premature translational stop signal (p.Gln400Alafs*58) in the PMS2 gene. It is expected to result in an absent or disrupted protein product. Loss-of-function variants in PMS2 are known to be pathogenic (PMID: 21376568, 24362816).

All of Us Research Program, National Institutes of Health
Classification: Pathogenic for Lynch syndrome. Last evaluated: 2023-06-08. Review status: criteria provided, single submitter. Criteria: ACMG Guidelines, 2015. Collection method: clinical testing. Allele origin: germline. Inheritance: Autosomal dominant inheritance. Observed: 1 variant allele, 1 heterozygote.
Comment: This variant inserts 1 nucleotide in exon 11 of the PMS2 gene, creating a frameshift and premature translation stop signal. This variant is expected to result in an absent or non-functional protein product. To our knowledge, this variant has not been reported in individuals affected with hereditary cancer in the literature. This variant has not been identified in the general population by the Genome Aggregation Database (gnomAD). Loss of PMS2 function is a known mechanism of disease. Based on the available evidence, this variant is classified as Pathogenic.

This study involves interpretation of variants in research participants for the purpose of population health screening. Participant phenotype was not available at the time of variant classification. Additional details can be found in publication PMID: 35346344, PMCID: PMC8962531

Color Diagnostics, LLC DBA Color Health
Classification: Pathogenic for Hereditary cancer-predisposing syndrome. Last evaluated: 2023-03-29. Review status: criteria provided, single submitter. Criteria: ACMG Guidelines, 2015. Collection method: clinical testing. Allele origin: germline.
Comment: This variant inserts 1 nucleotide in exon 11 of the PMS2 gene, creating a frameshift and premature translation stop signal. This variant is expected to result in an absent or non-functional protein product. To our knowledge, this variant has not been reported in individuals affected with hereditary cancer in the literature. This variant has not been identified in the general population by the Genome Aggregation Database (gnomAD). Loss of PMS2 function is a known mechanism of disease. Based on the available evidence, this variant is classified as Pathogenic.

Quest Diagnostics Nichols Institute San Juan Capistrano
Classification: Pathogenic. Last evaluated: 2021-06-23. Review status: criteria provided, single submitter. Criteria: Quest Diagnostics criteria. Collection method: clinical testing. Allele origin: unknown.
Comment: This frameshift variant causes the premature termination of PMS2 protein synthesis. To the best of our knowledge, the variant has not been reported in individuals with PMS2-related conditions in the published literature. Based on the available information, this variant is classified as pathogenic.

Ambry Genetics
Classification: Pathogenic for Hereditary cancer-predisposing syndrome. Last evaluated: 2018-04-18. Review status: criteria provided, single submitter. Criteria: Ambry Variant Classification Scheme 2023. Collection method: clinical testing. Allele origin: germline.
Comment: The c.1196dupA pathogenic mutation, located in coding exon 11 of the PMS2 gene, results from a duplication of A at nucleotide position 1196, causing a translational frameshift with a predicted alternate stop codon (p.K399Kfs*59). This alteration is expected to result in loss of function by premature protein truncation or nonsense-mediated mRNA decay. As such, this alteration is interpreted as a disease-causing mutation.

Department of Pathology and Laboratory Medicine, Sinai Health System
Classification: Pathogenic for mismatch repair cancer syndrome 1. Last evaluated: 2017-12-04. Review status: criteria provided, single submitter. Criteria: ACMG Guidelines, 2015. Collection method: clinical testing. Allele origin: germline. Affected: yes.

Literature cited by the submitters: PubMed 21376568 (cited by Labcorp Genetics (formerly Invitae), Labcorp); PubMed 24362816 (cited by Labcorp Genetics (formerly Invitae), Labcorp).